The following is an entry in ClinVar:

NM_001286611.2(REPS1):c.2195C>T (p.Ala732Val)

Gene: REPS1 (RALBP1 associated Eps domain containing 1; minus strand). Cytogenetic location: 6q24.1.
Variant type: single nucleotide variant.
Coding change: c.2195C>T on transcript NM_001286611.2 (MANE Select); coding-DNA position 2195, C replaced by T.
Protein change: p.Ala732Val; replaces alanine 732 with valine.
Molecular consequence: missense variant.
Genome position (GRCh38, 1-based): chr6:138,908,689, G>A on the plus strand (C>T on the coding strand, the complement: REPS1 is on the minus strand). VCF-style: chr6-138908689-G-A. GRCh37 (hg19) VCF-style: chr6-139229826-G-A.
Other names: c.2114C>T, p.Ala705Val (NM_001128617.3); c.1922C>T, p.Ala641Val (NM_001286612.2); c.2192C>T, p.Ala731Val (NM_031922.5); short protein forms A732V, A731V, A641V, A705V.
Identifiers: ClinVar variation 2781879 (VCV002781879.3), dbSNP rs2482538012, ClinGen allele CA365805979.

ClinVar aggregate classification (germline): Uncertain significance (1 of 4 stars; one submission).

Allele frequency attached by ClinVar (database versions not stated): gnomAD exomes below 0.00001.
gnomAD v4.1: 1 of 1,614,124 alleles (0.000062%); highest among the groups gnomAD compares: Non-Finnish European, 0.000085%; no homozygotes.

Submission:

Labcorp Genetics (formerly Invitae), Labcorp
Classification: Uncertain significance. Last evaluated: 2024-06-05. Review status: criteria provided, single submitter. Criteria: Invitae Variant Classification Sherloc (09022015). Collection method: clinical testing. Allele origin: germline.
Comment: This sequence change replaces alanine, which is neutral and non-polar, with valine, which is neutral and non-polar, at codon 732 of the REPS1 protein (p.Ala732Val). This variant is not present in population databases (gnomAD no frequency). This variant has not been reported in the literature in individuals affected with REPS1-related conditions. Advanced modeling of protein sequence and biophysical properties (such as structural, functional, and spatial information, amino acid conservation, physicochemical variation, residue mobility, and thermodynamic stability) performed at Invitae indicates that this missense variant is not expected to disrupt REPS1 protein function with a negative predictive value of 80%. In summary, the available evidence is currently insufficient to determine the role of this variant in disease. Therefore, it has been classified as a Variant of Uncertain Significance.